The following is an entry in ClinVar:

ClinVar aggregate classification (germline): Pathogenic/Likely pathogenic. Review status: criteria provided, multiple submitters, no conflicts (2 of 4 stars). 4 submissions from 4 submitters: Pathogenic (3); Likely pathogenic (1). Last evaluated 2024-03-27.

Conditions:
Mitochondrial trifunctional protein deficiency 1 (MTPD1). Identifiers: MedGen CN376812, MONDO:0958181, OMIM 609015.
Mitochondrial trifunctional protein deficiency. Identifiers: Orphanet 746, MedGen C1969443, MONDO:0012172.

Allele frequency attached by ClinVar (database versions not stated): gnomAD exomes below 0.00001 and 0.00001; gnomAD 0.00001; TOPMed 0.00001.
gnomAD v4.1: 13 of 1,588,062 alleles (0.00082%); highest among the groups gnomAD compares: African/African-American, 0.004%; no homozygotes.

Submissions (4):

Baylor Genetics
Classification: Pathogenic for Mitochondrial trifunctional protein deficiency 1. Last evaluated: 2024-03-27. Review status: criteria provided, single submitter. Criteria: ACMG Guidelines, 2015. Collection method: clinical testing. Allele origin: unknown.

Labcorp Genetics (formerly Invitae), Labcorp
Classification: Likely pathogenic for Mitochondrial trifunctional protein deficiency. Last evaluated: 2023-05-20. Review status: criteria provided, single submitter. Criteria: Invitae Variant Classification Sherloc (09022015). Collection method: clinical testing. Allele origin: germline.
Comment: In summary, the currently available evidence indicates that the variant is pathogenic, but additional data are needed to prove that conclusively. Therefore, this variant has been classified as Likely Pathogenic. Studies have shown that disruption of this splice site results in skipping of exon 5, but is expected to preserve the integrity of the reading-frame (PMID: 24379101). ClinVar contains an entry for this variant (Variation ID: 431987). Disruption of this splice site has been observed in individual(s) with HADHB-related conditions (PMID: 24379101). This variant is present in population databases (rs776172237, gnomAD 0.008%). This sequence change affects a donor splice site in intron 5 of the HADHB gene. RNA analysis indicates that disruption of this splice site induces altered splicing and likely results in a shortened protein product.

Fulgent Genetics
Classification: Pathogenic for Mitochondrial trifunctional protein deficiency 1. Last evaluated: 2018-10-31. Review status: criteria provided, single submitter. Criteria: ACMG Guidelines, 2015. Collection method: clinical testing. Allele origin: unknown.

GeneDx
Classification: Pathogenic. Last evaluated: 2018-08-17. Review status: criteria provided, single submitter. Criteria: GeneDx Variant Classification (06012015). Collection method: clinical testing. Allele origin: germline. Affected: yes.
Comment: The c.254+1 G>A variant has been reported in a patient with mitochondrial trifunctional protein deficiency who harbored a missense variant on the opposite HADHB allele (in trans) (Terrone et al. 2014). The c.254+1 G>A variant destroys the canonical splice donor site in intron 5. Sequencing of the reported patient's mRNA revealed both a wild-type transcript and a transcript lacking exon 5 consistent with c.254+1 G>A causing abnormal gene splicing (Terrone et al. 2014). The c.254+1 G>A variant is not observed in large population cohorts (Lek et al., 2016; 1000 Genomes Consortium et al., 2015; Exome Variant Server). In summary, we interpret this variant as pathogenic.

Literature cited by the submitters: PubMed 24379101 (cited by Labcorp Genetics (formerly Invitae), Labcorp).

NM_000183.3(HADHB):c.254+1G>A

Gene: HADHB (hydroxyacyl-CoA dehydrogenase trifunctional multienzyme complex subunit beta; plus strand). Cytogenetic location: 2p23.3.
Variant type: single nucleotide variant.
Coding change: c.254+1G>A on transcript NM_000183.3 (MANE Select); the canonical splice donor site of the intron after coding-DNA position 254, G replaced by A.
Molecular consequence: splice donor variant. On other transcripts: intron variant (1).
Genome position (GRCh38, 1-based): chr2:26,269,998, G>A. VCF-style: chr2-26269998-G-A. GRCh37 (hg19) VCF-style: chr2-26492866-G-A.
Other names: c.188+1G>A (NM_001281513.2); c.210-3653G>A (NM_001281512.2).
Identifiers: ClinVar variation 431987 (VCV000431987.8), dbSNP rs776172237, ClinGen allele CA44383235.